The following is an entry in ClinVar:

NM_000352.6(ABCC8):c.3737G>A (p.Trp1246Ter)

Gene: ABCC8 (ATP binding cassette subfamily C member 8; minus strand). Cytogenetic location: 11p15.1.
Variant type: single nucleotide variant.
Coding change: c.3737G>A on transcript NM_000352.6 (MANE Select); coding-DNA position 3737, G replaced by A.
Protein change: p.Trp1246Ter; replaces tryptophan 1246 with a stop codon.
Molecular consequence: nonsense. On other transcripts: non-coding transcript variant (1).
Genome position (GRCh38, 1-based): chr11:17,398,355, C>T on the plus strand (G>A on the coding strand, the complement: ABCC8 is on the minus strand). VCF-style: chr11-17398355-C-T. GRCh37 (hg19) VCF-style: chr11-17419902-C-T.
Other names: c.3740G>A, p.Trp1247Ter (NM_001287174.3); c.3803G>A, p.Trp1268Ter (NM_001351295.2); c.3737G>A, p.Trp1246Ter (NM_001351296.2); c.3734G>A, p.Trp1245Ter (NM_001351297.2); short protein forms W1268*, W1246*, W1245*, W1247*.
Identifiers: ClinVar variation 2100918 (VCV002100918.4), dbSNP rs2133413622, ClinGen allele CA379794032.

ClinVar aggregate classification (germline): Pathogenic (1 of 4 stars; one submission).

Submission:

Labcorp Genetics (formerly Invitae), Labcorp
Classification: Pathogenic. Last evaluated: 2022-02-21. Review status: criteria provided, single submitter. Criteria: Invitae Variant Classification Sherloc (09022015). Collection method: clinical testing. Allele origin: germline.
Comment: For these reasons, this variant has been classified as Pathogenic. This variant has not been reported in the literature in individuals affected with ABCC8-related conditions. This variant is not present in population databases (gnomAD no frequency). This sequence change creates a premature translational stop signal (p.Trp1246*) in the ABCC8 gene. It is expected to result in an absent or disrupted protein product. Loss-of-function variants in ABCC8 are known to be pathogenic (PMID: 20685672, 23345197).

Literature cited by the submitters: PubMed 20685672; PubMed 23345197.